The following is an entry in ClinVar:

NM_012282.4(KCNE5):c.139G>C (p.Val47Leu)

Gene: KCNE5 (potassium voltage-gated channel subfamily E regulatory subunit 5; minus strand). Cytogenetic location: Xq23.
Variant type: single nucleotide variant.
Coding change: c.139G>C on transcript NM_012282.4 (MANE Select); coding-DNA position 139, G replaced by C.
Protein change: p.Val47Leu; replaces valine 47 with leucine.
Molecular consequence: missense variant.
Genome position (GRCh38, 1-based): chrX:109,624,882, C>G on the plus strand (G>C on the coding strand, the complement: KCNE5 is on the minus strand). VCF-style: chrX-109624882-C-G. GRCh37 (hg19) VCF-style: chrX-108868111-C-G.
Other names: c.139G>C (NM_012282.2); short protein forms V47L.
Identifiers: ClinVar variation 1986093 (VCV001986093.5), dbSNP rs1251776677, ClinGen allele CA414213916.

ClinVar aggregate classification (germline): Conflicting classifications of pathogenicity. Review status: criteria provided, conflicting classifications (1 of 4 stars). 2 submissions from 2 submitters: Uncertain significance (1); Likely benign (1). Last evaluated 2024-06-09.

Conditions:
Brugada syndrome. Also called: Sudden unexplained nocturnal death syndrome; Sudden unexpected nocturnal death syndrome; Sudden Unexplained Death Syndrome; Sudden Unexplained Nocturnal Death Syndrome (SUNDS). Identifiers: Orphanet 130, MedGen C1142166, MONDO:0015263.

Allele frequency attached by ClinVar (database versions not stated): gnomAD 0.00001; TOPMed 0.00002.

Submissions (2):

Ambry Genetics
Classification: Likely benign. Last evaluated: 2024-06-09. Review status: criteria provided, single submitter. Criteria: Ambry Variant Classification Scheme 2023. Collection method: clinical testing. Allele origin: germline.

Labcorp Genetics (formerly Invitae), Labcorp
Classification: Uncertain significance for Brugada syndrome. Last evaluated: 2022-04-16. Review status: criteria provided, single submitter. Criteria: Invitae Variant Classification Sherloc (09022015). Collection method: clinical testing. Allele origin: germline.
Comment: In summary, the available evidence is currently insufficient to determine the role of this variant in disease. Therefore, it has been classified as a Variant of Uncertain Significance. Algorithms developed to predict the effect of missense changes on protein structure and function output the following: SIFT: "Tolerated"; PolyPhen-2: "Benign"; Align-GVGD: "Class C0". The leucine amino acid residue is found in multiple mammalian species, which suggests that this missense change does not adversely affect protein function. This variant has not been reported in the literature in individuals affected with KCNE5-related conditions. This variant is not present in population databases (gnomAD no frequency). This sequence change replaces valine, which is neutral and non-polar, with leucine, which is neutral and non-polar, at codon 47 of the KCNE5 protein (p.Val47Leu).